The following is an entry in ClinVar:

ClinVar aggregate classification (germline): Uncertain significance (1 of 4 stars; one submission).

Conditions:
Neurofibromatosis, type 1 (NF1). Also called: VON RECKLINGHAUSEN DISEASE; Peripheral type neurofibromatosis; NEUROFIBROMATOSIS, TYPE I, SOMATIC; Neurofibromatosis, type I. Identifiers: Orphanet 636, MedGen C0027831, MONDO:0018975, OMIM 162200. Disease mechanism: loss of function.

Submission:

Labcorp Genetics (formerly Invitae), Labcorp
Classification: Uncertain significance for Neurofibromatosis, type 1. Last evaluated: 2024-02-04. Review status: criteria provided, single submitter. Criteria: Invitae Variant Classification Sherloc (09022015). Collection method: clinical testing. Allele origin: germline.
Comment: This sequence change falls in intron 51 of the NF1 gene. It does not directly change the encoded amino acid sequence of the NF1 protein. This variant is not present in population databases (gnomAD no frequency). This variant has not been reported in the literature in individuals affected with NF1-related conditions. Algorithms developed to predict the effect of sequence changes on RNA splicing suggest that this variant may disrupt the consensus splice site. In summary, the available evidence is currently insufficient to determine the role of this variant in disease. Therefore, it has been classified as a Variant of Uncertain Significance.

NM_001042492.3(NF1):c.7739-11T>C

Gene: NF1 (neurofibromin 1; plus strand). Cytogenetic location: 17q11.2.
Variant type: single nucleotide variant.
Coding change: c.7739-11T>C on transcript NM_001042492.3 (MANE Select); 11 bases into the intron before coding-DNA position 7739, T replaced by C.
Molecular consequence: intron variant.
Genome position (GRCh38, 1-based): chr17:31,356,949, T>C. VCF-style: chr17-31356949-T-C. GRCh37 (hg19) VCF-style: chr17-29683967-T-C.
Other names: c.7676-11T>C (NM_000267.4).
Identifiers: ClinVar variation 3638778 (VCV003638778.2).